The following is an entry in ClinVar:

ClinVar aggregate classification (germline): Uncertain significance. Review status: criteria provided, multiple submitters, no conflicts (2 of 4 stars). 2 submissions from 2 submitters: Uncertain significance (2). Last evaluated 2020-11-28.

Conditions:
Hereditary diffuse gastric adenocarcinoma (HDGC). Also called: DIFFUSE GASTRIC AND LOBULAR BREAST CANCER SYNDROME. Identifiers: Orphanet 26106, MedGen C1708349, MONDO:0007648, OMIM 137215.
Hereditary cancer-predisposing syndrome. Also called: Hereditary neoplastic syndrome; Neoplastic Syndromes, Hereditary; Hereditary Cancer Syndrome; Tumor predisposition. Identifiers: Orphanet 140162, MedGen C0027672, MeSH D009386, MONDO:0015356.

Submissions (2):

Labcorp Genetics (formerly Invitae), Labcorp
Classification: Uncertain significance for Hereditary diffuse gastric adenocarcinoma. Last evaluated: 2020-11-28. Review status: criteria provided, single submitter. Criteria: Invitae Variant Classification Sherloc (09022015). Collection method: clinical testing. Allele origin: germline.
Comment: This variant has not been reported in the literature in individuals with CDH1-related conditions. In summary, the available evidence is currently insufficient to determine the role of this variant in disease. Therefore, it has been classified as a Variant of Uncertain Significance. Algorithms developed to predict the effect of sequence changes on RNA splicing suggest that this variant may create or strengthen a splice site, but this prediction has not been confirmed by published transcriptional studies. Algorithms developed to predict the effect of missense changes on protein structure and function are either unavailable or do not agree on the potential impact of this missense change (SIFT: "Deleterious"; PolyPhen-2: "Benign"; Align-GVGD: "Class C65"). This variant is not present in population databases (ExAC no frequency). This sequence change replaces aspartic acid with glycine at codon 756 of the CDH1 protein (p.Asp756Gly). The aspartic acid residue is highly conserved and there is a moderate physicochemical difference between aspartic acid and glycine.

Ambry Genetics
Classification: Uncertain significance for Hereditary cancer-predisposing syndrome. Last evaluated: 2017-10-25. Review status: criteria provided, single submitter. Criteria: Ambry Variant Classification Scheme 2023. Collection method: clinical testing. Allele origin: germline.
Comment: The p.D756G variant (also known as c.2267A>G), located in coding exon 14 of the CDH1 gene, results from an A to G substitution at nucleotide position 2267. The aspartic acid at codon 756 is replaced by glycine, an amino acid with similar properties. This amino acid position is highly conserved in available vertebrate species. In addition, this alteration is predicted to be deleterious by in silico analysis. Since supporting evidence is limited at this time, the clinical significance of this alteration remains unclear.

NM_004360.5(CDH1):c.2267A>G (p.Asp756Gly)

Gene: CDH1 (cadherin 1; plus strand). Cytogenetic location: 16q22.1.
Variant type: single nucleotide variant.
Coding change: c.2267A>G on transcript NM_004360.5 (MANE Select); coding-DNA position 2267, A replaced by G.
Protein change: p.Asp756Gly; replaces aspartic acid 756 with glycine.
Molecular consequence: missense variant.
Genome position (GRCh38, 1-based): chr16:68,828,276, A>G. VCF-style: chr16-68828276-A-G. GRCh37 (hg19) VCF-style: chr16-68862179-A-G.
Other names: c.2084A>G, p.Asp695Gly (NM_001317184.2); c.719A>G, p.Asp240Gly (NM_001317185.2); c.302A>G, p.Asp101Gly (NM_001317186.2); short protein forms D240G, D101G, D756G, D695G.
Identifiers: ClinVar variation 1415735 (VCV001415735.10), dbSNP rs2152141545, ClinGen allele CA396469979.
Genomic context (GRCh38, chr16:68,828,276, plus strand): 5'-TGGTCAAAGAGCCCTTACTGCCCCCAGAGGATGACACCCGGGACAACGTTTATTACTATG[A>G]TGAAGAAGGAGGCGGAGAAGAGGACCAGGTGGGTTTTGAAAACCTTGGTAGCTCAGTGGT-3'
Protein context (NP_004351.1, residues 746-766): DDTRDNVYYY[Asp756Gly]EEGGGEEDQD